The following is an entry in ClinVar:

ClinVar aggregate classification (germline): Uncertain significance (1 of 4 stars; one submission).

Conditions:
Spermatogenic failure 18. Identifiers: MedGen C4539783, MONDO:0054615, OMIM 617576.
Ciliary dyskinesia, primary, 37 (CILD37). Also called: CILIARY DYSKINESIA, PRIMARY, 37, WITH OR WITHOUT SITUS INVERSUS. Identifiers: MedGen C4539798, MONDO:0033204, OMIM 617577.

Allele frequency attached by ClinVar (database versions not stated): TOPMed below 0.00001.

Submission:

Labcorp Genetics (formerly Invitae), Labcorp
Classification: Uncertain significance for Ciliary dyskinesia, primary, 37; Spermatogenic failure 18. Last evaluated: 2022-04-15. Review status: criteria provided, single submitter. Criteria: Invitae Variant Classification Sherloc (09022015). Collection method: clinical testing. Allele origin: germline.
Comment: In summary, the available evidence is currently insufficient to determine the role of this variant in disease. Therefore, it has been classified as a Variant of Uncertain Significance. Algorithms developed to predict the effect of missense changes on protein structure and function are either unavailable or do not agree on the potential impact of this missense change (SIFT: "Deleterious"; PolyPhen-2: "Benign"; Align-GVGD: "Class C0"). This variant has not been reported in the literature in individuals affected with DNAH1-related conditions. This variant is not present in population databases (gnomAD no frequency). This sequence change replaces glutamic acid, which is acidic and polar, with alanine, which is neutral and non-polar, at codon 3693 of the DNAH1 protein (p.Glu3693Ala).

NM_015512.5(DNAH1):c.11078A>C (p.Glu3693Ala)

Gene: DNAH1 (dynein axonemal heavy chain 1; plus strand). Cytogenetic location: 3p21.1.
Variant type: single nucleotide variant.
Coding change: c.11078A>C on transcript NM_015512.5 (MANE Select); coding-DNA position 11078, A replaced by C.
Protein change: p.Glu3693Ala; replaces glutamic acid 3693 with alanine.
Molecular consequence: missense variant.
Genome position (GRCh38, 1-based): chr3:52,395,417, A>C. VCF-style: chr3-52395417-A-C. GRCh37 (hg19) VCF-style: chr3-52429433-A-C.
Other names: short protein forms E3693A.
Identifiers: ClinVar variation 2126531 (VCV002126531.4), dbSNP rs1704575933, ClinGen allele CA353207849.